The following is an entry in ClinVar:

NM_030665.4(RAI1):c.4816G>A (p.Ala1606Thr)

Gene: RAI1 (retinoic acid induced 1; plus strand). Cytogenetic location: 17p11.2.
Variant type: single nucleotide variant.
Coding change: c.4816G>A on transcript NM_030665.4 (MANE Select); coding-DNA position 4816, G replaced by A.
Protein change: p.Ala1606Thr; replaces alanine 1606 with threonine.
Molecular consequence: missense variant.
Genome position (GRCh38, 1-based): chr17:17,797,764, G>A. VCF-style: chr17-17797764-G-A. GRCh37 (hg19) VCF-style: chr17-17701078-G-A.
Other names: c.4816G>A (NM_030665.3); short protein forms A1606T.
Identifiers: ClinVar variation 1513819 (VCV001513819.8), dbSNP rs575260371, ClinGen allele CA8419033.

ClinVar aggregate classification (germline): Benign/Likely benign. Review status: criteria provided, multiple submitters, no conflicts (2 of 4 stars). 3 submissions from 3 submitters: Benign (1); Likely benign (1). 1 of the submissions does not count toward it. Last evaluated 2025-11-19.

Conditions:
RAI1-related disorder. Also called: RAI1-related condition.

Allele frequency attached by ClinVar (database versions not stated): gnomAD 0.00001; TOPMed 0.00001; ExAC 0.00002; gnomAD exomes 0.00003; 1000 Genomes Project 30x 0.00016; 1000 Genomes Project 0.00020.
gnomAD v4.1: 117 of 1,614,080 alleles (0.0072%); highest among the groups gnomAD compares: Middle Eastern, 0.016%; no homozygotes.

Submissions (3):

Women's Health and Genetics/Laboratory Corporation of America, LabCorp
Classification: Likely benign. Last evaluated: 2025-11-19. Review status: criteria provided, single submitter. Criteria: LabCorp Variant Classification Summary - May 2015. Collection method: clinical testing. Allele origin: germline.
Comment: Variant summary: RAI1 c.4816G>A (p.Ala1606Thr) results in a non-conservative amino acid change in the encoded protein sequence. Algorithms developed to predict the effect of missense changes on protein structure and function are either unavailable or do not agree on the potential impact of this missense change. The variant allele was found at a frequency of 2.8e-05 in 251318 control chromosomes. To our knowledge, no occurrence of c.4816G>A in individuals affected with RAI1-related conditions and no experimental evidence demonstrating its impact on protein function have been reported. ClinVar contains an entry for this variant (Variation ID: 1513819). Based on the evidence outlined above, the variant was classified as likely benign.

Labcorp Genetics (formerly Invitae), Labcorp
Classification: Benign. Last evaluated: 2025-09-08. Review status: criteria provided, single submitter. Criteria: Invitae Variant Classification Sherloc (09022015). Collection method: clinical testing. Allele origin: germline.

PreventionGenetics, part of Exact Sciences
Classification: Likely benign for RAI1-related condition. Last evaluated: 2024-08-09. Review status: no assertion criteria provided. Collection method: clinical testing. Allele origin: germline. Not counted in ClinVar's aggregate classification.
Comment: This variant is classified as likely benign based on ACMG/AMP sequence variant interpretation guidelines (Richards et al. 2015 PMID: 25741868, with internal and published modifications).